The following is an entry in ClinVar:

ClinVar aggregate classification (germline): Benign. Review status: criteria provided, multiple submitters, no conflicts (2 of 4 stars). 6 submissions from 6 submitters: Benign (5). 1 of the submissions does not count toward it. Last evaluated 2026-02-04.

Conditions:
EPAS1-related disorder. Also called: EPAS1-related condition.
Erythrocytosis, familial, 4 (ECYT4). Identifiers: Orphanet 247511, MedGen C2673187, MONDO:0012729, OMIM 611783.

Allele frequency attached by ClinVar (database versions not stated): 1000 Genomes Project 0.01577; 1000 Genomes Project 30x 0.01655; gnomAD 0.02613 and 0.02463; ESP Exome Variant Server 0.02845; TOPMed 0.02701; ExAC 0.02300; gnomAD exomes 0.02369 and 0.03254.
gnomAD v4.1: 51,286 of 1,613,990 alleles (3.2%); highest among the groups gnomAD compares: Non-Finnish European, 3.8%; 962 homozygotes.

Submissions (6):

Labcorp Genetics (formerly Invitae), Labcorp
Classification: Benign. Last evaluated: 2026-02-04. Review status: criteria provided, single submitter. Criteria: Invitae Variant Classification Sherloc (09022015). Collection method: clinical testing. Allele origin: germline.

ARUP Laboratories, Molecular Genetics and Genomics, ARUP Laboratories
Classification: Benign for Erythrocytosis, familial, 4. Last evaluated: 2025-03-07. Review status: criteria provided, single submitter. Criteria: ARUP Molecular Germline Variant Investigation Process 2024. Collection method: clinical testing. Allele origin: germline.

Mayo Clinic Laboratories, Mayo Clinic
Classification: Benign. Last evaluated: 2023-04-14. Review status: criteria provided, single submitter. Criteria: ACMG Guidelines, 2015. Collection method: clinical testing. Allele origin: germline. Observed: 11 variant alleles.
Comment: BS1, BS2, BP4, BP7

Illumina Laboratory Services, Illumina
Classification: Benign for Erythrocytosis, familial, 4. Last evaluated: 2018-01-13. Review status: criteria provided, single submitter. Criteria: ICSL Variant Classification Criteria 13 December 2019. Collection method: clinical testing. Allele origin: germline.
Comment: This variant was observed in the ICSL laboratory as part of a predisposition screen in an ostensibly healthy population. It had not been previously curated by ICSL or reported in the Human Gene Mutation Database (HGMD: prior to June 1st, 2018), and was therefore a candidate for classification through an automated scoring system. Utilizing variant allele frequency, disease prevalence and penetrance estimates, and inheritance mode, an automated score was calculated to assess if this variant is too frequent to cause the disease. Based on the score and internal cut-off values, a variant classified as benign is not then subjected to further curation. The score for this variant resulted in a classification of benign for this disease.

Breakthrough Genomics
Classification: Benign. Review status: criteria provided, single submitter. Criteria: ACMG Guidelines, 2015. Collection method: not provided. Allele origin: germline. Inheritance: Autosomal dominant inheritance. Affected: yes.

PreventionGenetics, part of Exact Sciences
Classification: Benign for EPAS1-related condition. Last evaluated: 2019-07-16. Review status: no assertion criteria provided. Collection method: clinical testing. Allele origin: germline. Not counted in ClinVar's aggregate classification.
Comment: This variant is classified as benign based on ACMG/AMP sequence variant interpretation guidelines (Richards et al. 2015 PMID: 25741868, with internal and published modifications).

NM_001430.5(EPAS1):c.1908T>C (p.Asn636=)

Gene: EPAS1 (endothelial PAS domain protein 1; plus strand). Cytogenetic location: 2p21.
Variant type: single nucleotide variant.
Coding change: c.1908T>C on transcript NM_001430.5 (MANE Select); coding-DNA position 1908, T replaced by C.
Protein change: p.Asn636=; no amino-acid change (asparagine 636 retained).
Molecular consequence: synonymous variant.
Genome position (GRCh38, 1-based): chr2:46,380,580, T>C. VCF-style: chr2-46380580-T-C. GRCh37 (hg19) VCF-style: chr2-46607719-T-C.
Other names: p.Asn636=.
Identifiers: ClinVar variation 336269 (VCV000336269.15), dbSNP rs35606117, ClinGen allele CA1645146.